The following is an entry in ClinVar:

ClinVar aggregate classification (germline): Likely benign. Review status: criteria provided, multiple submitters, no conflicts (2 of 4 stars). 4 submissions from 4 submitters: Likely benign (4). Last evaluated 2025-12-30.

Conditions:
Hereditary cancer-predisposing syndrome. Also called: Hereditary Cancer Syndrome; Tumor predisposition; Neoplastic Syndromes, Hereditary; Hereditary neoplastic syndrome. Identifiers: Orphanet 140162, MedGen C0027672, MeSH D009386, MONDO:0015356.
Lynch syndrome 5 (LYNCH5). Also called: Colorectal cancer, hereditary nonpolyposis, type 5; Hereditary non-polyposis colorectal cancer, type 5. Identifiers: Orphanet 144, MedGen C1833477, MONDO:0013710, OMIM 614350. Disease mechanism: loss of function.
Hereditary nonpolyposis colorectal neoplasms. Identifiers: MedGen C0009405, MeSH D003123.

Allele frequency attached by ClinVar (database versions not stated): ExAC 0.00005.

Submissions (9):

Labcorp Genetics (formerly Invitae), Labcorp
Classification: Likely benign for Hereditary nonpolyposis colorectal neoplasms. Last evaluated: 2025-12-30. Review status: criteria provided, single submitter. Criteria: Invitae Variant Classification Sherloc (09022015). Collection method: clinical testing. Allele origin: germline.

Myriad Genetics, Inc.
Classification: Likely benign for Lynch syndrome 5. Last evaluated: 2025-01-09. Review status: criteria provided, single submitter. Criteria: Myriad Autosomal Dominant, Autosomal Recessive and X-Linked Classification Criteria (2023). Collection method: clinical testing. Allele origin: unknown.
Comment: This variant is considered likely benign. This variant is intronic and is not expected to impact mRNA splicing.

GeneDx
Classification: Likely benign. Last evaluated: 2020-08-24. Review status: criteria provided, single submitter. Criteria: GeneDx Variant Classification Process June 2021. Collection method: clinical testing. Allele origin: germline. Affected: yes.

Color Diagnostics, LLC DBA Color Health
Classification: Likely benign for Hereditary cancer-predisposing syndrome. Last evaluated: 2017-09-29. Review status: criteria provided, single submitter. Criteria: ACMG Guidelines, 2015. Collection method: clinical testing. Allele origin: germline.

Dr. Peter K. Rogan Lab, Western University
No classification provided (evidence only). Condition: Acute myeloid leukemia. Review status: no classification provided. Collection method: in vitro. Allele origin: not applicable. Functional consequence: retained intron. Not counted in ClinVar's aggregate classification.

Dr. Peter K. Rogan Lab, Western University
No classification provided (evidence only). Condition: Acute myeloid leukemia. Review status: no classification provided. Collection method: in vitro. Allele origin: not applicable. Functional consequence: retained intron. Not counted in ClinVar's aggregate classification.

Dr. Peter K. Rogan Lab, Western University
No classification provided (evidence only). Condition: Acute myeloid leukemia. Review status: no classification provided. Collection method: in vitro. Allele origin: not applicable. Functional consequence: retained intron. Not counted in ClinVar's aggregate classification.

Dr. Peter K. Rogan Lab, Western University
No classification provided (evidence only). Condition: Cervical cancer. Review status: no classification provided. Collection method: in vitro. Allele origin: not applicable. Functional consequence: retained intron. Not counted in ClinVar's aggregate classification.

Dr. Peter K. Rogan Lab, Western University
No classification provided (evidence only). Condition: Sarcoma. Review status: no classification provided. Collection method: in vitro. Allele origin: not applicable. Functional consequence: retained intron. Not counted in ClinVar's aggregate classification.

NM_000179.3(MSH6):c.4002-9A>T

Gene: MSH6 (mutS homolog 6; plus strand). Cytogenetic location: 2p16.3.
Variant type: single nucleotide variant.
Coding change: c.4002-9A>T on transcript NM_000179.3 (MANE Select); 9 bases into the intron before coding-DNA position 4002, A replaced by T.
Molecular consequence: intron variant.
Genome position (GRCh38, 1-based): chr2:47,806,770, A>T. VCF-style: chr2-47806770-A-T. GRCh37 (hg19) VCF-style: chr2-48033909-A-T.
Other names: c.3096-9A>T (NM_001281493.2, NM_001281494.2); c.3612-9A>T (NM_001281492.2).
Identifiers: ClinVar variation 378173 (VCV000378173.18), dbSNP rs755141440, ClinGen allele CA072775.
Genomic context (GRCh38, chr2:47,806,770, plus strand): 5'-TAAAAGGGGAAGGGATGATGCACTATGAAAAAACAAAAAAACTTTTTTTTTTTTTTTTTT[A>T]ATTTTAAGGGAAGTTTGCCTGGCTAGTGAAAGGTCAACTGTAGATGCTGAAGCTGTCCAT-3'